The following is an entry in ClinVar:

NM_001250.6(CD40):c.782T>C (p.Val261Ala)

Gene: CD40 (CD40 molecule; plus strand). Cytogenetic location: 20q13.12.
Variant type: single nucleotide variant.
Coding change: c.782T>C on transcript NM_001250.6 (MANE Select); coding-DNA position 782, T replaced by C.
Protein change: p.Val261Ala; replaces valine 261 with alanine.
Molecular consequence: missense variant. On other transcripts: 3 prime UTR variant (3), non-coding transcript variant (2).
Genome position (GRCh38, 1-based): chr20:46,128,988, T>C. VCF-style: chr20-46128988-T-C. GRCh37 (hg19) VCF-style: chr20-44757627-T-C.
Other names: c.*108T>C (NM_001302753.2, NM_001362758.2, NM_152854.4); c.794T>C, p.Val265Ala (NM_001322421.2); c.626T>C, p.Val209Ala (NM_001322422.2); c.638T>C, p.Val213Ala (NM_001424339.1); short protein forms V213A, V261A, V265A, V209A.
Identifiers: ClinVar variation 2804798 (VCV002804798.3), dbSNP rs2515729644, ClinGen allele CA409212145.

ClinVar aggregate classification (germline): Uncertain significance (1 of 4 stars; one submission).

Submission:

Labcorp Genetics (formerly Invitae), Labcorp
Classification: Uncertain significance. Last evaluated: 2022-12-02. Review status: criteria provided, single submitter. Criteria: Invitae Variant Classification Sherloc (09022015). Collection method: clinical testing. Allele origin: germline.
Comment: This variant is not present in population databases (gnomAD no frequency). In summary, the available evidence is currently insufficient to determine the role of this variant in disease. Therefore, it has been classified as a Variant of Uncertain Significance. Algorithms developed to predict the effect of missense changes on protein structure and function are either unavailable or do not agree on the potential impact of this missense change (SIFT: "Deleterious"; PolyPhen-2: "Probably Damaging"; Align-GVGD: "Class C0"). This variant has not been reported in the literature in individuals affected with CD40-related conditions. This sequence change replaces valine, which is neutral and non-polar, with alanine, which is neutral and non-polar, at codon 261 of the CD40 protein (p.Val261Ala).